The following is an entry in ClinVar:

ClinVar aggregate classification (germline): Pathogenic/Likely pathogenic. Review status: criteria provided, multiple submitters, no conflicts (2 of 4 stars). 2 submissions from 2 submitters: Pathogenic (1); Likely pathogenic (1). Last evaluated 2024-02-29.

Conditions:
Tuberous sclerosis 2 (TSC2). Identifiers: Orphanet 805, MedGen C1860707, MONDO:0013199, OMIM 613254.

Submissions (2):

Institute for Genomic Medicine (IGM) Clinical Laboratory, Nationwide Children's Hospital
Classification: Likely pathogenic for Tuberous sclerosis 2. Last evaluated: 2024-02-29. Review status: criteria provided, single submitter. Criteria: ACMG Guidelines, 2015. Collection method: clinical testing. Allele origin: germline.
Comment: This variant is predicted to result in loss of function through nonsense-mediated decay of the encoded transcript or premature truncation of the encoded protein in a gene in which loss of function is a known mechanism of disease (ACMG/AMP: PVS1). This variant is absent from or present at an exceedingly low frequency in gnomAD, a large-scale control population database (ACMG/AMP: PM2).

Labcorp Genetics (formerly Invitae), Labcorp
Classification: Pathogenic for Tuberous sclerosis 2. Last evaluated: 2024-02-20. Review status: criteria provided, single submitter. Criteria: Invitae Variant Classification Sherloc (09022015). Collection method: clinical testing. Allele origin: germline.
Comment: This sequence change creates a premature translational stop signal (p.Asp1535Thrfs*41) in the TSC2 gene. It is expected to result in an absent or disrupted protein product. Loss-of-function variants in TSC2 are known to be pathogenic (PMID: 10205261, 17304050). This variant is not present in population databases (gnomAD no frequency). This variant has not been reported in the literature in individuals affected with TSC2-related conditions. Algorithms developed to predict the effect of sequence changes on RNA splicing suggest that this variant may disrupt the consensus splice site. For these reasons, this variant has been classified as Pathogenic.

Literature cited by the submitters: PubMed 10205261 (cited by Labcorp Genetics (formerly Invitae), Labcorp); PubMed 17304050 (cited by Labcorp Genetics (formerly Invitae), Labcorp).

NM_000548.5(TSC2):c.4602del (p.Asp1535fs)

Gene: TSC2 (TSC complex subunit 2; plus strand). Cytogenetic location: 16p13.3.
Variant type: Deletion.
Coding change: c.4602del on transcript NM_000548.5 (MANE Select); coding-DNA position 4602, one base deleted (C; older notation c.4602delC).
Protein change: p.Asp1535fs; shifts the reading frame from aspartic acid 1535.
Molecular consequence: frameshift variant. On other transcripts: non-coding transcript variant (5).
Genome position (GRCh38, 1-based): chr16:2,085,262, C deleted. VCF-style (leftmost placement, unchanged base first): chr16-2085261-TC-T. GRCh37 (hg19) VCF-style: chr16-2135262-TC-T.
Other names: c.4422del, p.Asp1475fs (NM_001406670.1); c.4392del, p.Asp1465fs (NM_001406671.1); c.4389del, p.Asp1464fs (NM_001406673.1); c.4386del, p.Asp1463fs (NM_001406675.1); c.4383del, p.Asp1462fs (NM_001406676.1); c.4344del, p.Asp1449fs (NM_001406677.1); c.4290del, p.Asp1431fs (NM_001406678.1); c.4254del, p.Asp1419fs (NM_001406679.1); and 26 more; short protein forms D1021fs, D1420fs, D1464fs, D1475fs, D1492fs, D1498fs, D1509fs, D1535fs.
Identifiers: ClinVar variation 3642212 (VCV003642212.3).